The following is an entry in ClinVar:

ClinVar aggregate classification (germline): Benign. Review status: criteria provided, multiple submitters, no conflicts (2 of 4 stars). 4 submissions from 4 submitters: Benign (4). Last evaluated 2026-02-04.

Allele frequency attached by ClinVar (database versions not stated): ExAC 0.64968; ESP Exome Variant Server 0.68069; gnomAD 0.68332 and 0.67813; gnomAD exomes 0.64497 and 0.65174; 1000 Genomes Project 0.65855; TOPMed 0.67760; 1000 Genomes Project 30x 0.66052.
gnomAD v4.1: 1,056,360 of 1,613,994 alleles (65%); highest among the groups gnomAD compares: African/African-American, 73%; 347,307 homozygotes.

Submissions (4):

Labcorp Genetics (formerly Invitae), Labcorp
Classification: Benign. Last evaluated: 2026-02-04. Review status: criteria provided, single submitter. Criteria: Invitae Variant Classification Sherloc (09022015). Collection method: clinical testing. Allele origin: germline.

Women's Health and Genetics/Laboratory Corporation of America, LabCorp
Classification: Benign. Last evaluated: 2026-01-21. Review status: criteria provided, single submitter. Criteria: LabCorp Variant Classification Summary - May 2015. Collection method: clinical testing. Allele origin: germline.

GeneDx
Classification: Benign. Last evaluated: 2020-07-14. Review status: criteria provided, single submitter. Criteria: GeneDx Variant Classification Process June 2021. Collection method: clinical testing. Allele origin: germline. Affected: yes.
Comment: This variant is associated with the following publications: (PMID: 23569188)

Breakthrough Genomics
Classification: Benign. Review status: criteria provided, single submitter. Criteria: ACMG Guidelines, 2015. Collection method: not provided. Allele origin: germline. Inheritance: Autosomal dominant inheritance. Affected: yes.

NM_025144.4(ALPK1):c.2582T>C (p.Met861Thr)

Gene: ALPK1 (alpha kinase 1; plus strand). Cytogenetic location: 4q25.
Variant type: single nucleotide variant.
Coding change: c.2582T>C on transcript NM_025144.4 (MANE Select); coding-DNA position 2582, T replaced by C.
Protein change: p.Met861Thr; replaces methionine 861 with threonine.
Molecular consequence: missense variant.
Genome position (GRCh38, 1-based): chr4:112,432,129, T>C. VCF-style: chr4-112432129-T-C. GRCh37 (hg19) VCF-style: chr4-113353285-T-C.
Other names: c.2582T>C, p.Met861Thr (NM_001102406.2); c.2348T>C, p.Met783Thr (NM_001253884.2); short protein forms M783T, M861T.
Identifiers: ClinVar variation 1280522 (VCV001280522.8), dbSNP rs11726117, ClinGen allele CA3046943.